The following is an entry in ClinVar:

ClinVar aggregate classification (germline): Uncertain significance (1 of 4 stars; one submission).

Allele frequency attached by ClinVar (database versions not stated): gnomAD exomes below 0.00001.
gnomAD v4.1: 2 of 1,614,130 alleles (0.00012%); highest among the groups gnomAD compares: African/African-American, 0.0013%; no homozygotes.

Submission:

Labcorp Genetics (formerly Invitae), Labcorp
Classification: Uncertain significance. Last evaluated: 2023-05-20. Review status: criteria provided, single submitter. Criteria: Invitae Variant Classification Sherloc (09022015). Collection method: clinical testing. Allele origin: germline.
Comment: In summary, the available evidence is currently insufficient to determine the role of this variant in disease. Therefore, it has been classified as a Variant of Uncertain Significance. An algorithm developed to predict the effect of missense changes on protein structure and function (PolyPhen-2) suggests that this variant is likely to be tolerated. This variant has not been reported in the literature in individuals affected with MS4A1-related conditions. This variant is not present in population databases (gnomAD no frequency). This sequence change replaces proline, which is neutral and non-polar, with leucine, which is neutral and non-polar, at codon 280 of the MS4A1 protein (p.Pro280Leu).

NM_152866.3(MS4A1):c.839C>T (p.Pro280Leu)

Gene: MS4A1 (membrane spanning 4-domains A1; plus strand). Cytogenetic location: 11q12.2.
Variant type: single nucleotide variant.
Coding change: c.839C>T on transcript NM_152866.3 (MANE Select); coding-DNA position 839, C replaced by T.
Protein change: p.Pro280Leu; replaces proline 280 with leucine.
Molecular consequence: missense variant.
Genome position (GRCh38, 1-based): chr11:60,468,413, C>T. VCF-style: chr11-60468413-C-T. GRCh37 (hg19) VCF-style: chr11-60235886-C-T.
Other names: c.839C>T, p.Pro280Leu (NM_021950.4, NM_152867.2); short protein forms P280L.
Identifiers: ClinVar variation 3002700 (VCV003002700.3), dbSNP rs2495419047, ClinGen allele CA380601217.